The following is an entry in ClinVar:

NM_001378454.1(ALMS1):c.5306A>G (p.Tyr1769Cys)

Gene: ALMS1 (ALMS1 centrosome and basal body associated protein; plus strand). Cytogenetic location: 2p13.1.
Variant type: single nucleotide variant.
Coding change: c.5306A>G on transcript NM_001378454.1 (MANE Select); coding-DNA position 5306, A replaced by G.
Protein change: p.Tyr1769Cys; replaces tyrosine 1769 with cysteine.
Molecular consequence: missense variant.
Genome position (GRCh38, 1-based): chr2:73,451,833, A>G. VCF-style: chr2-73451833-A-G. GRCh37 (hg19) VCF-style: chr2-73678960-A-G.
Other names: c.5309A>G, p.Tyr1770Cys (NM_015120.4); short protein forms Y1769C, Y1770C.
Identifiers: ClinVar variation 5001949 (VCV005001949.1).
Genomic context (GRCh38, chr2:73,451,833, plus strand): 5'-CTGGGTTATCTACTGTAACTTCCTCTTTCTATTCACATACAGAGAAGCCTAATATTTCTT[A>G]CCAGCAAGAGTTGCCAGATAGTCATCTAACTGAAGAGGCTCTGAAAGTTTCAAATGTTCC-3'
Protein context (NP_001365383.1, residues 1759-1779): YSHTEKPNIS[Tyr1769Cys]QQELPDSHLT

ClinVar aggregate classification (germline): Uncertain significance (1 of 4 stars; one submission).

Conditions:
ALMS1-related disorder. Also called: ALMS1-related condition.

Submission:

PreventionGenetics, part of Exact Sciences
Classification: Uncertain significance for ALMS1-related condition. Last evaluated: 2025-02-13. Review status: criteria provided, single submitter. Criteria: ACMG Guidelines, 2015. Collection method: clinical testing. Allele origin: germline.
Comment: The ALMS1 c.5309A>G variant is predicted to result in the amino acid substitution p.Gln1770Arg. To our knowledge, this variant has not been reported in the literature or in a large population database (gnomAD), indicating this variant is rare. At this time, the clinical significance of this variant is uncertain due to the absence of conclusive functional and genetic evidence.